The following is an entry in ClinVar:

NM_014908.4(DOLK):c.1073T>A (p.Leu358Gln)

Gene: DOLK (dolichol kinase; minus strand). Cytogenetic location: 9q34.11.
Variant type: single nucleotide variant.
Coding change: c.1073T>A on transcript NM_014908.4 (MANE Select); coding-DNA position 1073, T replaced by A.
Protein change: p.Leu358Gln; replaces leucine 358 with glutamine.
Molecular consequence: missense variant.
Genome position (GRCh38, 1-based): chr9:128,946,231, A>T on the plus strand (T>A on the coding strand, the complement: DOLK is on the minus strand). VCF-style: chr9-128946231-A-T. GRCh37 (hg19) VCF-style: chr9-131708510-A-T.
Other names: short protein forms L358Q.
Identifiers: ClinVar variation 3842091 (VCV003842091.1).

ClinVar aggregate classification (germline): Uncertain significance (1 of 4 stars; one submission).

Conditions:
Cardiovascular phenotype. Identifiers: MedGen CN230736.

gnomAD v4.1: 4 of 1,614,192 alleles (0.00025%); highest among the groups gnomAD compares: Non-Finnish European, 0.00034%; no homozygotes.

Submission:

Ambry Genetics
Classification: Uncertain significance for Cardiovascular phenotype. Last evaluated: 2025-02-04. Review status: criteria provided, single submitter. Criteria: Ambry Variant Classification Scheme 2023. Collection method: clinical testing. Allele origin: germline.
Comment: The p.L358Q variant (also known as c.1073T>A), located in coding exon 1 of the DOLK gene, results from a T to A substitution at nucleotide position 1073. The leucine at codon 358 is replaced by glutamine, an amino acid with dissimilar properties. This amino acid position is conserved. In addition, this alteration is predicted to be deleterious by in silico analysis. Based on the available evidence, the clinical significance of this variant remains unclear.